The following is an entry in ClinVar:

ClinVar aggregate classification (germline): Benign/Likely benign. Review status: criteria provided, multiple submitters, no conflicts (2 of 4 stars). 3 submissions from 3 submitters: Benign (2); Likely benign (1). Last evaluated 2024-08-01.

Allele frequency attached by ClinVar (database versions not stated): 1000 Genomes Project 30x 0.00390; 1000 Genomes Project 0.00399; ExAC 0.00504; ESP Exome Variant Server 0.00504; TOPMed 0.00605; gnomAD exomes 0.00638 and 0.00701; gnomAD 0.00682 and 0.00690.
gnomAD v4.1: 10,703 of 1,537,278 alleles (0.7%); highest among the groups gnomAD compares: Admixed American, 0.86%; 54 homozygotes.

Submissions (3):

CeGaT Center for Human Genetics Tuebingen
Classification: Likely benign. Last evaluated: 2024-08-01. Review status: criteria provided, single submitter. Criteria: CeGaT Center For Human Genetics Tuebingen Variant Classification Criteria Version 2. Collection method: clinical testing. Allele origin: germline. Affected: yes. Observed: 1 variant allele.
Comment: STARD9: BP4, BP7, BS2

Labcorp Genetics (formerly Invitae), Labcorp
Classification: Benign. Last evaluated: 2019-12-31. Review status: criteria provided, single submitter. Criteria: Invitae Variant Classification Sherloc (09022015). Collection method: clinical testing. Allele origin: germline.

Breakthrough Genomics
Classification: Benign. Review status: criteria provided, single submitter. Criteria: ACMG Guidelines, 2015. Collection method: not provided. Allele origin: germline. Inheritance: Unknown mechanism. Affected: yes.

NM_020759.3(STARD9):c.2664G>A (p.Gly888=)

Gene: STARD9 (StAR related lipid transfer domain containing 9; plus strand). Cytogenetic location: 15q15.2.
Variant type: single nucleotide variant.
Coding change: c.2664G>A on transcript NM_020759.3 (MANE Select); coding-DNA position 2664, G replaced by A.
Protein change: p.Gly888=; no amino-acid change (glycine 888 retained).
Molecular consequence: synonymous variant.
Genome position (GRCh38, 1-based): chr15:42,684,242, G>A. VCF-style: chr15-42684242-G-A. GRCh37 (hg19) VCF-style: chr15-42976440-G-A.
Identifiers: ClinVar variation 773560 (VCV000773560.21), dbSNP rs79365604, ClinGen allele CA7514210.